The following is an entry in ClinVar:

NM_000170.3(GLDC):c.2965A>G (p.Ile989Val)

Gene: GLDC (glycine decarboxylase; minus strand). Cytogenetic location: 9p24.1.
Variant type: single nucleotide variant.
Coding change: c.2965A>G on transcript NM_000170.3 (MANE Select); coding-DNA position 2965, A replaced by G.
Protein change: p.Ile989Val; replaces isoleucine 989 with valine.
Molecular consequence: missense variant.
Genome position (GRCh38, 1-based): chr9:6,533,115, T>C on the plus strand (A>G on the coding strand, the complement: GLDC is on the minus strand). VCF-style: chr9-6533115-T-C. GRCh37 (hg19) VCF-style: chr9-6533115-T-C.
Other names: short protein forms I989V.
Identifiers: ClinVar variation 2178391 (VCV002178391.1), dbSNP rs1162754179, ClinGen allele CA372881695.
Genomic context (GRCh38, chr9:6,533,115, plus strand): 5'-CATAAACTTCCATGGGTGGGCAGGTACAAACCAGGTGCTGATCTCCATATATGTCATCAA[T>C]CCGGGCAATCGTTGGCCAGAATTTGTTCTCTGGTTTCACGAAGGGCTGCAAAGGACAAAA-3'
Protein context (NP_000161.2, residues 979-999): ENKFWPTIAR[Ile989Val]DDIYGDQHLV

ClinVar aggregate classification (germline): Uncertain significance (1 of 4 stars; one submission).

Conditions:
Glycine encephalopathy. Also called: Nonketotic hyperglycinemia; Non-ketotic hyperglycinemia. Identifiers: Orphanet 407, MedGen C0751748, MONDO:0011612, HP:0008288.

Allele frequency attached by ClinVar (database versions not stated): gnomAD exomes 0.00002.
gnomAD v4.1: 22 of 1,612,632 alleles (0.0014%); highest among the groups gnomAD compares: Non-Finnish European, 0.0019%; no homozygotes.

Submission:

Labcorp Genetics (formerly Invitae), Labcorp
Classification: Uncertain significance for Glycine encephalopathy. Last evaluated: 2022-05-03. Review status: criteria provided, single submitter. Criteria: Invitae Variant Classification Sherloc (09022015). Collection method: clinical testing. Allele origin: germline.
Comment: This sequence change replaces isoleucine, which is neutral and non-polar, with valine, which is neutral and non-polar, at codon 989 of the GLDC protein (p.Ile989Val). This variant is present in population databases (no rsID available, gnomAD 0.0009%). This variant has not been reported in the literature in individuals affected with GLDC-related conditions. Advanced modeling of protein sequence and biophysical properties (such as structural, functional, and spatial information, amino acid conservation, physicochemical variation, residue mobility, and thermodynamic stability) performed at Invitae indicates that this missense variant is not expected to disrupt GLDC protein function. Experimental studies have shown that this missense change does not substantially affect GLDC function (PMID: 22171071). In summary, the available evidence is currently insufficient to determine the role of this variant in disease. Therefore, it has been classified as a Variant of Uncertain Significance.

Literature cited by the submitters: PubMed 22171071.